The following is an entry in ClinVar:

NM_024408.4(NOTCH2):c.7326C>T (p.Ser2442=)

Gene: NOTCH2 (notch receptor 2; minus strand). Cytogenetic location: 1p12.
Variant type: single nucleotide variant.
Coding change: c.7326C>T on transcript NM_024408.4 (MANE Select); coding-DNA position 7326, C replaced by T.
Protein change: p.Ser2442=; no amino-acid change (serine 2442 retained).
Molecular consequence: synonymous variant.
Genome position (GRCh38, 1-based): chr1:119,915,396, G>A on the plus strand (C>T on the coding strand, the complement: NOTCH2 is on the minus strand). VCF-style: chr1-119915396-G-A. GRCh37 (hg19) VCF-style: chr1-120458019-G-A.
Other names: c.7326C>T (NM_024408.3).
Identifiers: ClinVar variation 1629266 (VCV001629266.10), dbSNP rs2101141240, ClinGen allele CA420033313.

ClinVar aggregate classification (germline): Likely benign. Review status: criteria provided, multiple submitters, no conflicts (2 of 4 stars). 3 submissions from 3 submitters: Likely benign (3). Last evaluated 2026-06-09.

Conditions:
Alagille syndrome due to a NOTCH2 point mutation. Also called: Alagille syndrome 2. Identifiers: Orphanet 261629, Orphanet 52, MedGen C1857761, MONDO:0012439, OMIM 610205.
Hajdu-Cheney syndrome (HJCYS). Also called: SERPENTINE FIBULA-POLYCYSTIC KIDNEY SYNDROME; Acroosteolysis dominant type; ACROOSTEOLYSIS WITH OSTEOPOROSIS AND CHANGES IN SKULL AND MANDIBLE. Identifiers: Orphanet 955, MedGen C0917715, MONDO:0007057, OMIM 102500.
NOTCH2-related disorder. Also called: NOTCH2-related condition.

Submissions (3):

PreventionGenetics, part of Exact Sciences
Classification: Likely benign for NOTCH2-related condition. Last evaluated: 2026-06-09. Review status: criteria provided, single submitter. Criteria: ACMG Guidelines, 2015. Collection method: clinical testing. Allele origin: germline.
Comment: This variant is classified as likely benign based on ACMG/AMP sequence variant interpretation guidelines (Richards et al. 2015 PMID: 25741868, with internal and published modifications).

Labcorp Genetics (formerly Invitae), Labcorp
Classification: Likely benign for Hajdu-Cheney syndrome. Last evaluated: 2025-03-07. Review status: criteria provided, single submitter. Criteria: Invitae Variant Classification Sherloc (09022015). Collection method: clinical testing. Allele origin: germline.

Fulgent Genetics
Classification: Likely benign for Hajdu-Cheney syndrome; Alagille syndrome due to a NOTCH2 point mutation. Last evaluated: 2022-04-08. Review status: criteria provided, single submitter. Criteria: ACMG Guidelines, 2015. Collection method: clinical testing. Allele origin: unknown.